The following is an entry in ClinVar:

NM_000062.3(SERPING1):c.1475T>C (p.Met492Thr)

Gene: SERPING1 (serpin family G member 1; plus strand). Cytogenetic location: 11q12.1.
Variant type: single nucleotide variant.
Coding change: c.1475T>C on transcript NM_000062.3 (MANE Select); coding-DNA position 1475, T replaced by C.
Protein change: p.Met492Thr; replaces methionine 492 with threonine.
Molecular consequence: missense variant.
Genome position (GRCh38, 1-based): chr11:57,614,553, T>C. VCF-style: chr11-57614553-T-C. GRCh37 (hg19) VCF-style: chr11-57382026-T-C.
Other names: c.1475T>C, p.Met492Thr (NM_001032295.2); c.1475T>C (NM_000062.2); short protein forms M492T.
Identifiers: ClinVar variation 427759 (VCV000427759.4), dbSNP rs978962357, ClinGen allele CA223024393.

ClinVar aggregate classification (germline): Uncertain significance. Review status: criteria provided, multiple submitters, no conflicts (2 of 4 stars). 4 submissions from 4 submitters: Uncertain significance (3). 1 of the submissions does not count toward it. Last evaluated 2025-10-23.

Conditions:
Angioedema. Identifiers: MedGen C0002994, MeSH D000799, MONDO:0010481, HP:0100665.

Allele frequency attached by ClinVar (database versions not stated): gnomAD exomes below 0.00001; TOPMed below 0.00001.

Submissions (4):

Labcorp Genetics (formerly Invitae), Labcorp
Classification: Uncertain significance. Last evaluated: 2025-10-23. Review status: criteria provided, single submitter. Criteria: Invitae Variant Classification Sherloc (09022015). Collection method: clinical testing. Allele origin: germline.
Comment: This sequence change replaces methionine, which is neutral and non-polar, with threonine, which is neutral and polar, at codon 492 of the SERPING1 protein (p.Met492Thr). This variant is present in population databases (no rsID available, gnomAD 0.0009%). This variant has not been reported in the literature in individuals affected with SERPING1-related conditions. ClinVar contains an entry for this variant (Variation ID: 427759). Invitae Evidence Modeling of protein sequence and biophysical properties (such as structural, functional, and spatial information, amino acid conservation, physicochemical variation, residue mobility, and thermodynamic stability) indicates that this missense variant is expected to disrupt SERPING1 protein function with a positive predictive value of 80%. In summary, the available evidence is currently insufficient to determine the role of this variant in disease. Therefore, it has been classified as a Variant of Uncertain Significance.

GeneDx
Classification: Uncertain significance. Last evaluated: 2025-08-14. Review status: criteria provided, single submitter. Criteria: GeneDx Variant Classification Process June 2021. Collection method: clinical testing. Allele origin: germline. Affected: yes.
Comment: Not observed at significant frequency in large population cohorts (gnomAD); In silico analysis supports that this missense variant has a deleterious effect on protein structure/function; This variant is associated with the following publications: (PMID: 31517426, 36649959, 36162836)

Blueprint Genetics
Classification: Uncertain significance. Last evaluated: 2019-11-06. Review status: criteria provided, single submitter. Criteria: ACMG Guidelines, 2015. Collection method: clinical testing. Allele origin: germline.

Institute of Human Genetics, University of Wuerzburg
Classification: Likely pathogenic for Angioedema. Review status: no assertion criteria provided. Collection method: clinical testing. Allele origin: unknown. Not counted in ClinVar's aggregate classification.